The following is an entry in ClinVar:

ClinVar aggregate classification (germline): Likely benign (1 of 4 stars; one submission).

gnomAD v4.1: 2 of 1,553,918 alleles (0.00013%); highest among the groups gnomAD compares: East Asian, 0.0024%; no homozygotes.

Submission:

Women's Health and Genetics/Laboratory Corporation of America, LabCorp
Classification: Likely benign. Last evaluated: 2026-01-12. Review status: criteria provided, single submitter. Criteria: LabCorp Variant Classification Summary - May 2015. Collection method: clinical testing. Allele origin: germline.
Comment: Variant summary: TK2 c.30C>A results in a synonymous change. Consensus agreement among computation tools predict no significant impact on normal splicing. However, these predictions have yet to be confirmed by functional studies. The variant allele was found at a frequency of 1.3e-05 in 154432 control chromosomes. The available data on variant occurrences in the general population are insufficient to allow any conclusion about variant significance. To our knowledge, no occurrence of c.30C>A in individuals affected with TK2-related conditions and no experimental evidence demonstrating its impact on protein function have been reported. No submitters have cited clinical-significance assessments for this variant to ClinVar. Based on the evidence outlined above, the variant was classified as likely benign.

NM_004614.5(TK2):c.30C>A (p.Ala10=)

Genes: TK2 (thymidine kinase 2; minus strand), LOC130059156 (ATAC-STARR-seq lymphoblastoid silent region 7560; plus strand). Cytogenetic location: 16q21.
Variant type: single nucleotide variant.
Coding change: c.30C>A on transcript NM_004614.5 (MANE Select); coding-DNA position 30, C replaced by A.
Protein change: p.Ala10=; no amino-acid change (alanine 10 retained).
Molecular consequence: synonymous variant. On other transcripts: 5 prime UTR variant (2), non-coding transcript variant (1), intron variant (2).
Genome position (GRCh38, 1-based): chr16:66,550,032, G>T on the plus strand (C>A on the coding strand, the complement: TK2 is on the minus strand). VCF-style: chr16-66550032-G-T. GRCh37 (hg19) VCF-style: chr16-66583935-G-T.
Other names: c.30C>A, p.Ala10= (NM_001172644.2, NM_001172645.2); c.-213C>A (NM_001271934.2); c.-623C>A (NM_001272050.2); c.31+221C>A (NM_001271935.1, NM_001172643.1).
Identifiers: ClinVar variation 4689479 (VCV004689479.1).